The following is an entry in ClinVar:

NM_000548.5(TSC2):c.3454A>C (p.Ser1152Arg)

Gene: TSC2 (TSC complex subunit 2; plus strand). Cytogenetic location: 16p13.3.
Variant type: single nucleotide variant.
Coding change: c.3454A>C on transcript NM_000548.5 (MANE Select); coding-DNA position 3454, A replaced by C.
Protein change: p.Ser1152Arg; replaces serine 1152 with arginine.
Molecular consequence: missense variant.
Genome position (GRCh38, 1-based): chr16:2,080,221, A>C. VCF-style: chr16-2080221-A-C. GRCh37 (hg19) VCF-style: chr16-2130222-A-C.
Other names: c.3214A>C, p.Ser1072Arg (NM_001318827.2); c.3178A>C, p.Ser1060Arg (NM_001318829.2); c.2722A>C, p.Ser908Arg (NM_001318831.2); c.3355A>C, p.Ser1119Arg (NM_001318832.2); c.3325A>C, p.Ser1109Arg (NM_001363528.2, NM_001370405.1, NM_021055.3); c.3322A>C, p.Ser1108Arg (NM_001370404.1, NM_001077183.3); c.3454A>C, p.Ser1152Arg (NM_001114382.3); short protein forms S1152R, S1060R, S1108R, S1109R, S1119R, S908R, S1072R.
Identifiers: ClinVar variation 373567 (VCV000373567.5), dbSNP rs772215032, ClinGen allele CA046905.
Genomic context (GRCh38, chr16:2,080,221, plus strand): 5'-TCAGGGGGCCATGGTCTTCGAGTTGGCGCCCTGGACGTGCCGGCCTCCCAGTTCCTGGGC[A>C]GTGCCACTTCTCCAGGACCACGGACTGCACCAGCCGCGAAACCTGAGAAGGCCTCAGCTG-3'
Protein context (NP_000539.2, residues 1142-1162): LDVPASQFLG[Ser1152Arg]ATSPGPRTAP

ClinVar aggregate classification (germline): Conflicting classifications of pathogenicity. Review status: criteria provided, conflicting classifications (1 of 4 stars). 3 submissions from 3 submitters: Uncertain significance (2); Benign (1). Last evaluated 2026-02-28.

Conditions:
Hereditary cancer-predisposing syndrome. Also called: Neoplastic Syndromes, Hereditary; Hereditary neoplastic syndrome; Tumor predisposition; Hereditary Cancer Syndrome. Identifiers: Orphanet 140162, MedGen C0027672, MeSH D009386, MONDO:0015356.
Tuberous sclerosis 2 (TSC2). Identifiers: Orphanet 805, MedGen C1860707, MONDO:0013199, OMIM 613254.

Allele frequency attached by ClinVar (database versions not stated): gnomAD exomes below 0.00001; TOPMed below 0.00001; ExAC 0.00001; gnomAD 0.00001.
gnomAD v4.1: 3 of 1,612,874 alleles (0.00019%); highest among the groups gnomAD compares: Non-Finnish European, 0.00025%; no homozygotes.

Submissions (3):

Ambry Genetics
Classification: Uncertain significance for Hereditary cancer-predisposing syndrome. Last evaluated: 2026-02-28. Review status: criteria provided, single submitter. Criteria: Ambry Variant Classification Scheme 2023. Collection method: clinical testing. Allele origin: germline.
Comment: The p.S1152R variant (also known as c.3454A>C), located in coding exon 29 of the TSC2 gene, results from an A to C substitution at nucleotide position 3454. The serine at codon 1152 is replaced by arginine, an amino acid with dissimilar properties. This amino acid position is conserved. In addition, the in silico prediction for this alteration is inconclusive. Based on the available evidence, the clinical significance of this variant remains unclear.

Labcorp Genetics (formerly Invitae), Labcorp
Classification: Benign for Tuberous sclerosis 2. Last evaluated: 2023-08-28. Review status: criteria provided, single submitter. Criteria: Invitae Variant Classification Sherloc (09022015). Collection method: clinical testing. Allele origin: germline.

GeneDx
Classification: Uncertain significance. Last evaluated: 2016-11-23. Review status: criteria provided, single submitter. Criteria: GeneDx Variant Classification (06012015). Collection method: clinical testing. Allele origin: germline. Affected: yes.
Comment: A variant of uncertain significance has been identified in the TSC2 gene. The S1152R variant has not been published as a pathogenic variant, nor has it been reported as a benign variant to our knowledge. The S1152R variant is a semi-conservative amino acid substitution, which may impact secondary protein structure as these residues differ in some properties. This substitution occurs at a position that is not conserved, and in silico analysis predicts this variant likely does not alter the protein structure/function. This substitution does not occur within known functional domains of the tuberin protein, where many pathogenic missense variants have been identified (Northrup et al., 2011; Au et al., 2007). However, it was not observed in approximately 6,500 individuals of European and African American ancestry in the NHLBI Exome Sequencing Project, indicating it is not a common benign variant in these populations. Therefore, based on the currently available information, it is unclear whether this variant is a pathogenic variant or a rare benign variant.